The following is an entry in ClinVar:

ClinVar aggregate classification (germline): Conflicting classifications of pathogenicity. Review status: criteria provided, conflicting classifications (1 of 4 stars). 5 submissions from 5 submitters: Uncertain significance (1); Likely benign (2). 2 of the submissions do not count toward it. Last evaluated 2026-01-24.

Conditions:
DNAH5-related disorder. Also called: DNAH5-related condition.
Primary ciliary dyskinesia 3. Identifiers: Orphanet 244, MedGen C1837618, MONDO:0012085, OMIM 608644.
Primary ciliary dyskinesia. Also called: Ciliary dyskinesia. Identifiers: Orphanet 244, MedGen C0008780, MONDO:0016575, HP:0012265.

Allele frequency attached by ClinVar (database versions not stated): gnomAD exomes 0.00027 and 0.00042; ESP Exome Variant Server 0.00038; gnomAD 0.00052 and 0.00058; ExAC 0.00056; TOPMed 0.00068; 1000 Genomes Project 0.00220; 1000 Genomes Project 30x 0.00234.
gnomAD v4.1: 480 of 1,614,072 alleles (0.03%); highest among the groups gnomAD compares: East Asian, 0.31%; 8 homozygotes.

Submissions (5):

Labcorp Genetics (formerly Invitae), Labcorp
Classification: Likely benign for Primary ciliary dyskinesia. Last evaluated: 2026-01-24. Review status: criteria provided, single submitter. Criteria: Invitae Variant Classification Sherloc (09022015). Collection method: clinical testing. Allele origin: germline.

Blueprint Genetics
Classification: Likely benign. Last evaluated: 2024-06-14. Review status: criteria provided, single submitter. Criteria: ACMG Guidelines, 2015. Collection method: clinical testing. Allele origin: germline.

Illumina Laboratory Services, Illumina
Classification: Uncertain significance for Primary ciliary dyskinesia 3. Last evaluated: 2018-01-12. Review status: criteria provided, single submitter. Criteria: ICSL Variant Classification Criteria 13 December 2019. Collection method: clinical testing. Allele origin: germline.

PreventionGenetics, part of Exact Sciences
Classification: Likely benign for DNAH5-related condition. Last evaluated: 2023-10-13. Review status: no assertion criteria provided. Collection method: clinical testing. Allele origin: germline. Not counted in ClinVar's aggregate classification.
Comment: This variant is classified as likely benign based on ACMG/AMP sequence variant interpretation guidelines (Richards et al. 2015 PMID: 25741868, with internal and published modifications).

Natera, Inc.
Classification: Uncertain significance for Primary ciliary dyskinesia. Last evaluated: 2020-09-16. Review status: no assertion criteria provided. Collection method: clinical testing. Allele origin: germline. Not counted in ClinVar's aggregate classification.

NM_001369.3(DNAH5):c.6956C>T (p.Thr2319Met)

Gene: DNAH5 (dynein axonemal heavy chain 5; minus strand). Cytogenetic location: 5p15.2.
Variant type: single nucleotide variant.
Coding change: c.6956C>T on transcript NM_001369.3 (MANE Select); coding-DNA position 6956, C replaced by T.
Protein change: p.Thr2319Met; replaces threonine 2319 with methionine.
Molecular consequence: missense variant.
Genome position (GRCh38, 1-based): chr5:13,817,580, G>A on the plus strand (C>T on the coding strand, the complement: DNAH5 is on the minus strand). VCF-style: chr5-13817580-G-A. GRCh37 (hg19) VCF-style: chr5-13817689-G-A.
Other names: short protein forms T2319M.
Identifiers: ClinVar variation 351066 (VCV000351066.18), dbSNP rs144983881, ClinGen allele CA3203229.